The following is an entry in ClinVar:

NM_000218.3(KCNQ1):c.1514+6112A>G

Genes: KCNQ1 (potassium voltage-gated channel subfamily Q member 1; plus strand), KCNQ1OT1 (KCNQ1 opposite strand/antisense transcript 1; minus strand). Cytogenetic location: 11p15.5.
Variant type: single nucleotide variant.
Coding change: c.1514+6112A>G on transcript NM_000218.3 (MANE Select); 6112 bases into the intron after coding-DNA position 1514, A replaced by G.
Molecular consequence: intron variant. On other transcripts: non-coding transcript variant (1).
Genome position (GRCh38, 1-based): chr11:2,668,193, A>G. VCF-style: chr11-2668193-A-G. GRCh37 (hg19) VCF-style: chr11-2689423-A-G.
Other names: c.1244+6112A>G (NM_001406837.1); c.1418+6112A>G (NM_001406836.1); c.974+6112A>G (NM_001406838.1); c.1133+6112A>G (NM_181798.2).
Identifiers: ClinVar variation 3771733 (VCV003771733.13).
Genomic context (GRCh38, chr11:2,668,193, plus strand): 5'-ATGGGGCTGAAGGGAGAGTGCTCCCTCATGCTCCTTGCTGACTGGTGCTCCATTGTGTGC[A>G]TGGCCTACATCATTCATCCATTCTACCACCTGTGGCCAGCAGGCAGTTTCTGGTGTAGGT-3'

ClinVar aggregate classification (germline): Likely benign (1 of 4 stars; one submission).

gnomAD v4.1: 106 of 398,594 alleles (0.027%); highest among the groups gnomAD compares: Non-Finnish European, 0.043%; no homozygotes.

Submission:

CeGaT Center for Human Genetics Tuebingen
Classification: Likely benign. Last evaluated: 2026-04-01. Review status: criteria provided, single submitter. Criteria: CeGaT Center For Human Genetics Tuebingen Variant Classification Criteria Version 2. Collection method: clinical testing. Allele origin: germline. Affected: yes. Observed: 2 variant alleles.
Comment: KCNQ1OT1: BS2